The following is an entry in ClinVar:

ClinVar aggregate classification (germline): Uncertain significance. Review status: criteria provided, multiple submitters, no conflicts (2 of 4 stars). 2 submissions from 2 submitters: Uncertain significance (2). Last evaluated 2023-09-01.

Conditions:
Inborn genetic diseases. Identifiers: MedGen C0950123, MeSH D030342.

Allele frequency attached by ClinVar (database versions not stated): gnomAD exomes 0.00001; gnomAD 0.00004; TOPMed 0.00009.

Submissions (2):

Labcorp Genetics (formerly Invitae), Labcorp
Classification: Uncertain significance. Last evaluated: 2023-09-01. Review status: criteria provided, single submitter. Criteria: Invitae Variant Classification Sherloc (09022015). Collection method: clinical testing. Allele origin: germline.
Comment: This variant has not been reported in the literature in individuals affected with KRT16-related conditions. Advanced modeling of protein sequence and biophysical properties (such as structural, functional, and spatial information, amino acid conservation, physicochemical variation, residue mobility, and thermodynamic stability) has been performed at Invitae for this missense variant, however the output from this modeling did not meet the statistical confidence thresholds required to predict the impact of this variant on KRT16 protein function. In summary, the available evidence is currently insufficient to determine the role of this variant in disease. Therefore, it has been classified as a Variant of Uncertain Significance. This variant is present in population databases (no rsID available, gnomAD 0.01%). This sequence change replaces arginine, which is basic and polar, with histidine, which is basic and polar, at codon 290 of the KRT16 protein (p.Arg290His).

Ambry Genetics
Classification: Uncertain significance for Inborn genetic diseases. Last evaluated: 2021-08-02. Review status: criteria provided, single submitter. Criteria: Ambry Variant Classification Scheme 2023. Collection method: clinical testing. Allele origin: germline.

NM_005557.4(KRT16):c.869G>A (p.Arg290His)

Gene: KRT16 (keratin 16; minus strand). Cytogenetic location: 17q21.2.
Variant type: single nucleotide variant.
Coding change: c.869G>A on transcript NM_005557.4 (MANE Select); coding-DNA position 869, G replaced by A.
Protein change: p.Arg290His; replaces arginine 290 with histidine.
Molecular consequence: missense variant.
Genome position (GRCh38, 1-based): chr17:41,611,133, C>T on the plus strand (G>A on the coding strand, the complement: KRT16 is on the minus strand). VCF-style: chr17-41611133-C-T. GRCh37 (hg19) VCF-style: chr17-39767385-C-T.
Other names: c.869G>A (NM_005557.3); short protein forms R290H.
Identifiers: ClinVar variation 2968550 (VCV002968550.4), dbSNP rs1209457883, ClinGen allele CA399491173.